The following is an entry in ClinVar:

NM_006017.3(PROM1):c.2167G>A (p.Ala723Thr)

Gene: PROM1 (prominin 1; minus strand). Cytogenetic location: 4p15.32.
Variant type: single nucleotide variant.
Coding change: c.2167G>A on transcript NM_006017.3 (MANE Select); coding-DNA position 2167, G replaced by A.
Protein change: p.Ala723Thr; replaces alanine 723 with threonine.
Molecular consequence: missense variant.
Genome position (GRCh38, 1-based): chr4:15,986,001, C>T on the plus strand (G>A on the coding strand, the complement: PROM1 is on the minus strand). VCF-style: chr4-15986001-C-T. GRCh37 (hg19) VCF-style: chr4-15987624-C-T.
Other names: c.2140G>A, p.Ala714Thr (NM_001145847.2, NM_001145848.2, NM_001145851.2 and 4 more transcripts); c.2167G>A, p.Ala723Thr (NM_001145849.2, NM_001145850.2); short protein forms A714T, A723T.
Identifiers: ClinVar variation 842185 (VCV000842185.9), dbSNP rs755083222, ClinGen allele CA356428384.

ClinVar aggregate classification (germline): Uncertain significance (1 of 4 stars; one submission).

Submission:

Labcorp Genetics (formerly Invitae), Labcorp
Classification: Uncertain significance. Last evaluated: 2023-06-09. Review status: criteria provided, single submitter. Criteria: Invitae Variant Classification Sherloc (09022015). Collection method: clinical testing. Allele origin: germline.
Comment: In summary, the available evidence is currently insufficient to determine the role of this variant in disease. Therefore, it has been classified as a Variant of Uncertain Significance. Advanced modeling of protein sequence and biophysical properties (such as structural, functional, and spatial information, amino acid conservation, physicochemical variation, residue mobility, and thermodynamic stability) performed at Invitae indicates that this missense variant is not expected to disrupt PROM1 protein function. ClinVar contains an entry for this variant (Variation ID: 842185). This variant has not been reported in the literature in individuals affected with PROM1-related conditions. This variant is not present in population databases (gnomAD no frequency). This sequence change replaces alanine, which is neutral and non-polar, with threonine, which is neutral and polar, at codon 723 of the PROM1 protein (p.Ala723Thr).